The following is an entry in ClinVar:

ClinVar aggregate classification (germline): Uncertain significance (1 of 4 stars; one submission).

Submission:

Ambry Genetics
Classification: Uncertain significance. Last evaluated: 2025-08-08. Review status: criteria provided, single submitter. Criteria: Ambry Variant Classification Scheme 2023. Collection method: clinical testing. Allele origin: germline.
Comment: The p.G7R variant (also known as c.19G>A), located in coding exon 1 of the EGLN1 gene, results from a G to A substitution at nucleotide position 19. The glycine at codon 7 is replaced by arginine, an amino acid with dissimilar properties. This amino acid position is conserved. In addition, the in silico prediction for this alteration is inconclusive. Since supporting evidence is limited at this time, the clinical significance of this alteration remains unclear.

NM_022051.3(EGLN1):c.19G>A (p.Gly7Arg)

Gene: EGLN1 (egl-9 family hypoxia inducible factor 1; minus strand). Cytogenetic location: 1q42.2.
Variant type: single nucleotide variant.
Coding change: c.19G>A on transcript NM_022051.3 (MANE Select); coding-DNA position 19, G replaced by A.
Protein change: p.Gly7Arg; replaces glycine 7 with arginine.
Molecular consequence: missense variant.
Genome position (GRCh38, 1-based): chr1:231,421,870, C>T on the plus strand (G>A on the coding strand, the complement: EGLN1 is on the minus strand). VCF-style: chr1-231421870-C-T. GRCh37 (hg19) VCF-style: chr1-231557616-C-T.
Other names: c.19G>A, p.Gly7Arg (NM_001377260.1, NM_001377261.1); short protein forms G7R.
Identifiers: ClinVar variation 2560761 (VCV002560761.3), dbSNP rs2527362416, ClinGen allele CA345239545.
Genomic context (GRCh38, chr1:231,421,870, plus strand): 5'-TCTTCCCGCACAGCTCGCAGTACTGCCGGTCTCGCTCGCTCGGGCTCGGCCCGCCGGGCC[C>T]GCCGCTGTCATTGGCCATGGCGGCGGCGGCGGCGGCGACGGCGACTGCGGCGGCCGAGCA-3'
Protein context (NP_071334.1, residues 1-17): MANDSG[Gly7Arg]PGGPSPSERD